The following is an entry in ClinVar:

ClinVar aggregate classification (germline): Uncertain significance. Review status: criteria provided, multiple submitters, no conflicts (2 of 4 stars). 3 submissions from 3 submitters: Uncertain significance (3). Last evaluated 2025-12-24.

Conditions:
Congenital disorder of glycosylation, type Iaa. Also called: Congenital disorder of glycosylation, type 1aa. Identifiers: MedGen C4310727, MONDO:0014904, OMIM 617082.
Inborn genetic diseases. Identifiers: MedGen C0950123, MeSH D030342.

Allele frequency attached by ClinVar (database versions not stated): 1000 Genomes Project 30x 0.00047.
gnomAD v4.1: 151 of 1,612,708 alleles (0.0094%); highest among the groups gnomAD compares: East Asian, 0.33%; 1 homozygote.

Submissions (3):

Women's Health and Genetics/Laboratory Corporation of America, LabCorp
Classification: Uncertain significance. Last evaluated: 2025-12-24. Review status: criteria provided, single submitter. Criteria: LabCorp Variant Classification Summary - May 2015. Collection method: clinical testing. Allele origin: germline.
Comment: Variant summary: NUS1 c.523A>T (p.Asn175Tyr) results in a non-conservative amino acid change in the encoded protein sequence. Algorithms developed to predict the effect of missense changes on protein structure and function are either unavailable or do not agree on the potential impact of this missense change. The variant allele was found at a frequency of 8e-06 in 250396 control chromosomes. The available data on variant occurrences in the general population are insufficient to allow any conclusion about variant significance. To our knowledge, no occurrence of c.523A>T in individuals affected with NUS1-related conditions and no experimental evidence demonstrating its impact on protein function have been reported. ClinVar contains an entry for this variant (Variation ID: 1430751). Based on the evidence outlined above, the variant was classified as uncertain significance.

Ambry Genetics
Classification: Uncertain significance for Inborn genetic diseases. Last evaluated: 2025-08-14. Review status: criteria provided, single submitter. Criteria: Ambry Variant Classification Scheme 2023. Collection method: clinical testing. Allele origin: germline.

Labcorp Genetics (formerly Invitae), Labcorp
Classification: Uncertain significance for Congenital disorder of glycosylation, type Iaa. Last evaluated: 2022-09-01. Review status: criteria provided, single submitter. Criteria: Invitae Variant Classification Sherloc (09022015). Collection method: clinical testing. Allele origin: germline.
Comment: In summary, the available evidence is currently insufficient to determine the role of this variant in disease. Therefore, it has been classified as a Variant of Uncertain Significance. Algorithms developed to predict the effect of missense changes on protein structure and function are either unavailable or do not agree on the potential impact of this missense change (SIFT: "Tolerated"; PolyPhen-2: "Possibly Damaging"; Align-GVGD: "Class C0"). ClinVar contains an entry for this variant (Variation ID: 1430751). This variant has not been reported in the literature in individuals affected with NUS1-related conditions. The frequency data for this variant in the population databases is considered unreliable, as metrics indicate poor data quality at this position in the gnomAD database. This sequence change replaces asparagine, which is neutral and polar, with tyrosine, which is neutral and polar, at codon 175 of the NUS1 protein (p.Asn175Tyr).

NM_138459.5(NUS1):c.523A>T (p.Asn175Tyr)

Gene: NUS1 (NUS1 dehydrodolichyl diphosphate synthase subunit; plus strand). Cytogenetic location: 6q22.1.
Variant type: single nucleotide variant.
Coding change: c.523A>T on transcript NM_138459.5 (MANE Select); coding-DNA position 523, A replaced by T.
Protein change: p.Asn175Tyr; replaces asparagine 175 with tyrosine.
Molecular consequence: missense variant.
Genome position (GRCh38, 1-based): chr6:117,693,149, A>T. VCF-style: chr6-117693149-A-T. GRCh37 (hg19) VCF-style: chr6-118014312-A-T.
Other names: c.523A>T (NM_138459.3); short protein forms N175Y.
Identifiers: ClinVar variation 1430751 (VCV001430751.10), dbSNP rs28362518, ClinGen allele CA3977114.
Genomic context (GRCh38, chr6:117,693,149, plus strand): 5'-CAACAGCAAGAACTTCTGGGCCTAGATTGTTCAAAATACTCACCAGAATTTGCAAATAGT[A>T]ATGACAAAGATGATCAAGGTAAGCATGAGTGTATAATTGAACATGTAACATATGAAGATG-3'
Protein context (NP_612468.1, residues 165-185): SKYSPEFANS[Asn175Tyr]DKDDQVLNCH